The following is an entry in ClinVar:

NM_000535.7(PMS2):c.2445G>A (p.Ser815=)

Gene: PMS2 (PMS1 homolog 2, mismatch repair system component; minus strand). Cytogenetic location: 7p22.1.
Variant type: single nucleotide variant.
Coding change: c.2445G>A on transcript NM_000535.7 (MANE Select); coding-DNA position 2445, G replaced by A.
Protein change: p.Ser815=; no amino-acid change (serine 815 retained).
Molecular consequence: synonymous variant. On other transcripts: non-coding transcript variant (1).
Genome position (GRCh38, 1-based): chr7:5,977,588, C>T on the plus strand (G>A on the coding strand, the complement: PMS2 is on the minus strand). VCF-style: chr7-5977588-C-T. GRCh37 (hg19) VCF-style: chr7-6017219-C-T.
Other names: c.2040G>A, p.Ser680= (NM_001322003.2, NM_001322004.2, NM_001322005.2); c.2289G>A, p.Ser763= (NM_001322006.2); c.2127G>A, p.Ser709= (NM_001322007.2, NM_001322008.2); c.2073G>A, p.Ser691= (NM_001322009.2); c.1884G>A, p.Ser628= (NM_001322010.2); c.1512G>A, p.Ser504= (NM_001322011.2, NM_001322012.2); c.1872G>A, p.Ser624= (NM_001322013.2); c.2478G>A, p.Ser826= (NM_001322014.2); and 1 more.
Identifiers: ClinVar variation 184485 (VCV000184485.56), dbSNP rs753199796, ClinGen allele CA011510.
Genomic context (GRCh38, chr7:5,977,588, plus strand): 5'-AGACCTTCCTCGACTGCAAGCTTGAGCAGCTGAGCTGACAGCCAGGCTTTCTTTACTTAC[C>T]GACTTCCGGCAGGCTCTGGAGGCAAACATCTGCTTGACTCGGGAAGGCCGGCACATGACC-3'
Protein context (NP_000526.2, residues 805-825): QMFASRACRK[Ser815=]VMIGTALNTS

ClinVar aggregate classification (germline): Conflicting classifications of pathogenicity. Review status: criteria provided, conflicting classifications (1 of 4 stars). 12 submissions from 12 submitters: Uncertain significance (4); Benign (1); Likely benign (7). Last evaluated 2026-01-30.

Conditions:
Lynch syndrome 4 (LYNCH4). Also called: Hereditary non-polyposis colorectal cancer, type 4; Colorectal cancer, hereditary nonpolyposis, type 4. Identifiers: Orphanet 144, MedGen C1838333, MONDO:0013699, OMIM 614337. Disease mechanism: loss of function.
Mismatch repair cancer syndrome 4. Identifiers: MedGen C5436817, MONDO:0030843, OMIM 619101.
Hereditary nonpolyposis colorectal neoplasms. Identifiers: MedGen C0009405, MeSH D003123.
Breast and/or ovarian cancer. Identifiers: MedGen CN221562.
Hereditary cancer-predisposing syndrome. Also called: Tumor predisposition; Neoplastic Syndromes, Hereditary; Hereditary Cancer Syndrome; Hereditary neoplastic syndrome. Identifiers: Orphanet 140162, MedGen C0027672, MeSH D009386, MONDO:0015356.

Allele frequency attached by ClinVar (database versions not stated): gnomAD exomes 0.00011; gnomAD 0.00012; ExAC 0.00014; 1000 Genomes Project 30x 0.00016.

Submissions (12):

Labcorp Genetics (formerly Invitae), Labcorp
Classification: Likely benign for Hereditary nonpolyposis colorectal neoplasms. Last evaluated: 2026-01-30. Review status: criteria provided, single submitter. Criteria: Invitae Variant Classification Sherloc (09022015). Collection method: clinical testing. Allele origin: germline.

CeGaT Center for Human Genetics Tuebingen
Classification: Likely benign. Last evaluated: 2025-07-01. Review status: criteria provided, single submitter. Criteria: CeGaT Center For Human Genetics Tuebingen Variant Classification Criteria Version 2. Collection method: clinical testing. Allele origin: germline. Affected: yes. Observed: 2 variant alleles.
Comment: PMS2: BP4, BP7

Mendelics
Classification: Likely benign. Last evaluated: 2025-06-23. Review status: criteria provided, single submitter. Criteria: ACMG Guidelines, 2015. Collection method: clinical testing. Allele origin: unknown.
Comment: This variant is considered likely benign or benign based on one or more of the following: it is predicted to be benign by multiple in silico algorithms, and/or has population frequency not consistent with disease, and/or has normal protein function, and/or has lack of segregation with disease, and/or has been detected in co-occurrence with known pathogenic variant, and/or has lack of disease association in case-control studies, and/or is located in a region inconsistent with a known cause of pathogenicity.

Quest Diagnostics Nichols Institute San Juan Capistrano
Classification: Likely benign. Last evaluated: 2025-05-31. Review status: criteria provided, single submitter. Criteria: Quest Diagnostics criteria. Collection method: clinical testing. Allele origin: unknown.

Color Diagnostics, LLC DBA Color Health
Classification: Likely benign for Hereditary cancer-predisposing syndrome. Last evaluated: 2024-04-11. Review status: criteria provided, single submitter. Criteria: ACMG Guidelines, 2015. Collection method: clinical testing. Allele origin: germline.

Department of Pathology and Laboratory Medicine, Sinai Health System
Classification: Uncertain significance for Lynch syndrome 4; Mismatch repair cancer syndrome 4. Last evaluated: 2023-01-06. Review status: criteria provided, single submitter. Criteria: ACMG Guidelines, 2015. Collection method: clinical testing. Allele origin: germline. Affected: no.

Women's Health and Genetics/Laboratory Corporation of America, LabCorp
Classification: Likely benign. Last evaluated: 2022-11-03. Review status: criteria provided, single submitter. Criteria: LabCorp Variant Classification Summary - May 2015. Collection method: clinical testing. Allele origin: germline.
Comment: Variant summary: PMS2 c.2445G>A (p.Ser815Ser) alters a conserved nucleotide located close to a canonical splice site and therefore could affect mRNA splicing, leading to a significantly altered protein sequence. 4/4 computational tools predict no significant impact on normal splicing. However, these predictions have yet to be confirmed by functional studies. The variant allele was found at a frequency of 0.00011 in 194842 control chromosomes, predominantly at a frequency of 0.00038 within the Latino subpopulation in the gnomAD database. The observed variant frequency within Latino control individuals in the gnomAD database is approximately 5 fold of the estimated maximal expected allele frequency for a pathogenic variant in PMS2 causing Hereditary Nonpolyposis Colorectal Cancer phenotype (7.1e-05), strongly suggesting that the variant is a benign polymorphism found primarily in populations of Latino origin. However, this data should be interpreted with caution as the sequencing technology utilized cannot rule out possible pseudogene interference due to sequence overlap in this region. To our knowledge, c.2445G>A has not been reported in the literature in individuals affected with Hereditary Nonpolyposis Colorectal Cancer and no experimental evidence demonstrating an impact on protein function has been reported. Eight clinical diagnostic laboratories have submitted clinical-significance assessments for this variant to ClinVar after 2014 and classified the variant as VUS (n=6) and benign/likely benign (n=2). Based on the evidence outlined above, the variant was classified as likely benign.

CHEO Genetics Diagnostic Laboratory, Children's Hospital of Eastern Ontario
Classification: Uncertain significance for Breast and/or ovarian cancer. Last evaluated: 2022-06-30. Review status: criteria provided, single submitter. Criteria: ACMG Guidelines, 2015. Collection method: clinical testing. Allele origin: germline.

Ambry Genetics
Classification: Likely benign for Hereditary cancer-predisposing syndrome. Last evaluated: 2021-11-29. Review status: criteria provided, single submitter. Criteria: Ambry Variant Classification Scheme 2023. Collection method: clinical testing. Allele origin: germline.

Sema4
Classification: Uncertain significance for Hereditary cancer-predisposing syndrome. Last evaluated: 2021-08-26. Review status: criteria provided, single submitter. Criteria: Sema4 Curation Guidelines. Collection method: curation. Allele origin: germline.
Comment: The PMS2 c.2445G>A (p.S815=) variant has been reported variant has not been reported in literature to our knowledge. This variant was observed in 11/30100 chromosomes in the Latino population, with no homozygotes, according to the Genome Aggregation Database (PMID: 32461654). This variant has been reported in ClinVar (Variation ID 184485). This variant is the last nucleotide of exon 14 and computational tools suggest that this variant may weaken the donnor splice site, though these predictions have not been confirmed by functional studies. The overall evidence is insufficient to meet ACMG/AMP criteria for classifying it as benign or pathogenic. In summary, the clinical significance of this variant is currently uncertain.

Illumina Laboratory Services, Illumina
Classification: Uncertain significance for Lynch syndrome 4. Last evaluated: 2018-01-12. Review status: criteria provided, single submitter. Criteria: ICSL Variant Classification Criteria 13 December 2019. Collection method: clinical testing. Allele origin: germline.

GeneDx
Classification: Benign. Last evaluated: 2015-03-03. Review status: criteria provided, single submitter. Criteria: GeneDx Variant Classification Process June 2021. Collection method: clinical testing. Allele origin: germline. Affected: yes.

Literature cited by the submitters: PubMed 34371384 (cited by Quest Diagnostics Nichols Institute San Juan Capistrano and Women's Health and Genetics/Laboratory Corporation of America, LabCorp); PubMed 38311346 (cited by Quest Diagnostics Nichols Institute San Juan Capistrano); PubMed 34326862 (cited by Quest Diagnostics Nichols Institute San Juan Capistrano); PubMed 35264596 (cited by Quest Diagnostics Nichols Institute San Juan Capistrano).